The following is an entry in ClinVar:

NM_032271.3(TRAF7):c.1585G>A (p.Ala529Thr)

Gene: TRAF7 (TNF receptor associated factor 7; plus strand). Cytogenetic location: 16p13.3.
Variant type: single nucleotide variant.
Coding change: c.1585G>A on transcript NM_032271.3 (MANE Select); coding-DNA position 1585, G replaced by A.
Protein change: p.Ala529Thr; replaces alanine 529 with threonine.
Molecular consequence: missense variant.
Genome position (GRCh38, 1-based): chr16:2,175,581, G>A. VCF-style: chr16-2175581-G-A. GRCh37 (hg19) VCF-style: chr16-2225582-G-A.
Other names: short protein forms A529T.
Identifiers: ClinVar variation 4997817 (VCV004997817.1).

ClinVar aggregate classification (germline): Uncertain significance (1 of 4 stars; one submission).

Conditions:
TRAF7-related disorder. Also called: TRAF7-related condition.

Submission:

PreventionGenetics, part of Exact Sciences
Classification: Uncertain significance for TRAF7-related condition. Last evaluated: 2024-12-23. Review status: criteria provided, single submitter. Criteria: ACMG Guidelines, 2015. Collection method: clinical testing. Allele origin: germline.
Comment: The TRAF7 c.1585G>A variant is predicted to result in the amino acid substitution p.Ala529Thr. To our knowledge, this variant has not been reported in the literature or in a large population database (gnomAD), indicating this variant is rare. At this time, the clinical significance of this variant is uncertain due to the absence of conclusive functional and genetic evidence.